The following is an entry in ClinVar:

NM_001346754.2(PIGW):c.106A>G (p.Arg36Gly)

Genes: MYO19 (myosin XIX; minus strand), PIGW (phosphatidylinositol glycan anchor biosynthesis class W; plus strand). Cytogenetic location: 17q12.
Variant type: single nucleotide variant.
Coding change: c.106A>G on transcript NM_001346754.2 (MANE Select); coding-DNA position 106, A replaced by G.
Protein change: p.Arg36Gly; replaces arginine 36 with glycine.
Molecular consequence: missense variant.
Genome position (GRCh38, 1-based): chr17:36,537,207, A>G. VCF-style: chr17-36537207-A-G. GRCh37 (hg19) VCF-style: chr17-34893056-A-G.
Other names: c.106A>G, p.Arg36Gly (NM_001346755.2, NM_178517.5); short protein forms R36G.
Identifiers: ClinVar variation 452328 (VCV000452328.38), dbSNP rs142067039, ClinGen allele CA290115704.

ClinVar aggregate classification (germline): Conflicting classifications of pathogenicity. Review status: criteria provided, conflicting classifications (1 of 4 stars). 7 submissions from 7 submitters: Likely pathogenic (1); Uncertain significance (4); Likely benign (1). 1 of the submissions does not count toward it. Last evaluated 2025-02-27.

Conditions:
Hyperphosphatasia with intellectual disability syndrome 5 (GPIBD11). Also called: GLYCOSYLPHOSPHATIDYLINOSITOL BIOSYNTHESIS DEFECT 11. Identifiers: Orphanet 247262, MedGen C4014958, MONDO:0014457, OMIM 616025.
Inborn genetic diseases. Identifiers: MedGen C0950123, MeSH D030342.

Allele frequency attached by ClinVar (database versions not stated): ExAC 0.00013; 1000 Genomes Project 30x 0.00016; 1000 Genomes Project 0.00020; gnomAD exomes 0.00021 and 0.00046; TOPMed 0.00030; ESP Exome Variant Server 0.00031; gnomAD 0.00031 and 0.00032.
gnomAD v4.1: 718 of 1,614,194 alleles (0.044%); highest among the groups gnomAD compares: Non-Finnish European, 0.057%; no homozygotes.

Submissions (7):

Ambry Genetics
Classification: Uncertain significance for Inborn genetic diseases. Last evaluated: 2025-02-27. Review status: criteria provided, single submitter. Criteria: Ambry Variant Classification Scheme 2023. Collection method: clinical testing. Allele origin: germline.

GeneDx
Classification: Likely pathogenic. Last evaluated: 2025-02-20. Review status: criteria provided, single submitter. Criteria: GeneDx Variant Classification Process June 2021. Collection method: clinical testing. Allele origin: germline. Affected: yes.
Comment: In silico analysis supports that this missense variant has a deleterious effect on protein structure/function; This variant is associated with the following publications: (PMID: 34426522, 32198969, 36740579, Savasan2023[casereport], 35788948, 30679815, 39766333)

Blueprint Genetics
Classification: Uncertain significance. Last evaluated: 2024-08-13. Review status: criteria provided, single submitter. Criteria: ACMG Guidelines, 2015. Collection method: clinical testing. Allele origin: germline.

CeGaT Center for Human Genetics Tuebingen
Classification: Likely benign. Last evaluated: 2023-04-01. Review status: criteria provided, single submitter. Criteria: CeGaT Center For Human Genetics Tuebingen Variant Classification Criteria Version 2. Collection method: clinical testing. Allele origin: germline. Affected: yes. Observed: 1 variant allele.
Comment: PIGW: BP4

Labcorp Genetics (formerly Invitae), Labcorp
Classification: Uncertain significance for Hyperphosphatasia with intellectual disability syndrome 5. Last evaluated: 2022-09-13. Review status: criteria provided, single submitter. Criteria: Invitae Variant Classification Sherloc (09022015). Collection method: clinical testing. Allele origin: germline.
Comment: This sequence change replaces arginine, which is basic and polar, with glycine, which is neutral and non-polar, at codon 36 of the PIGW protein (p.Arg36Gly). This variant is present in population databases (rs142067039, gnomAD 0.04%). This missense change has been observed in individual(s) with clinical features of PIGW-related conditions (PMID: 30679815). ClinVar contains an entry for this variant (Variation ID: 452328). Advanced modeling of protein sequence and biophysical properties (such as structural, functional, and spatial information, amino acid conservation, physicochemical variation, residue mobility, and thermodynamic stability) performed at Invitae indicates that this missense variant is expected to disrupt PIGW protein function. In summary, the available evidence is currently insufficient to determine the role of this variant in disease. Therefore, it has been classified as a Variant of Uncertain Significance.

Victorian Clinical Genetics Services, Murdoch Childrens Research Institute
Classification: Uncertain significance for Hyperphosphatasia with intellectual disability syndrome 5. Last evaluated: 2020-05-26. Review status: criteria provided, single submitter. Criteria: ACMG Guidelines, 2015. Collection method: clinical testing. Allele origin: germline. Inheritance: Autosomal recessive inheritance. Affected: yes.
Comment: Based on the classification scheme VCGS_Germline_v1.1.1, this variant is classified as 3A-VUS. Following criteria are met: 0102 - Loss-of-function is a known mechanism of disease for this gene. (N) 0106 - This gene is known to be associated with autosomal recessive disease. (N) 0200 - Variant is predicted to result in a missense amino acid change from arginine to glycine (exon 2). (N) 0251 - Variant is heterozygous. (N) 0304 - Variant is present in gnomAD <0.01 for a recessive condition (62 heterozygotes, 0 homozygotes). (P) 0309 - An alternative amino acid change at the same position has been observed in gnomAD (1 heterozygote, 0 homozygote). (N) 0501 - Missense variant consistently predicted to be damaging by multiple in silico tools or highly conserved with a major amino acid change. (P) 0604 - Variant is not located in an established domain, motif, hotspot or informative constraint region. (N) 0705 - No comparable variants have previous evidence for pathogenicity. (N) 0803 - Low previous evidence of pathogenicity in unrelated individuals. This variant has been reported as homozygous and likely pathogenic in a family with 2 foetuses with Fryns or Fryns-like syndrome (PMID:30679815). It has also been reported as a VUS in ClinVar. (P) 1007 - No published functional evidence has been identified for this variant. (N) 1208 - Inheritance information for this variant is not currently available. (N) Legend: (P) - Pathogenic, (N) - Neutral, (B) - Benign

OMIM
Classification: Pathogenic for GLYCOSYLPHOSPHATIDYLINOSITOL BIOSYNTHESIS DEFECT 11. Last evaluated: 2022-09-09. Review status: no assertion criteria provided. Collection method: literature only. Allele origin: germline. Not counted in ClinVar's aggregate classification.

Literature cited by the submitters: PubMed 30679815 (cited by 4 submitters).